The following is an entry in ClinVar:

NM_004523.4(KIF11):c.1559A>G (p.Lys520Arg)

Gene: KIF11 (kinesin family member 11; plus strand). Cytogenetic location: 10q23.33.
Variant type: single nucleotide variant.
Coding change: c.1559A>G on transcript NM_004523.4 (MANE Select); coding-DNA position 1559, A replaced by G.
Protein change: p.Lys520Arg; replaces lysine 520 with arginine.
Molecular consequence: missense variant.
Genome position (GRCh38, 1-based): chr10:92,632,550, A>G. VCF-style: chr10-92632550-A-G. GRCh37 (hg19) VCF-style: chr10-94392307-A-G.
Other names: short protein forms K520R.
Identifiers: ClinVar variation 1473092 (VCV001473092.9), dbSNP rs2135916166, ClinGen allele CA377592172.

ClinVar aggregate classification (germline): Uncertain significance. Review status: criteria provided, multiple submitters, no conflicts (2 of 4 stars). 3 submissions from 3 submitters: Uncertain significance (3). Last evaluated 2025-02-16.

Conditions:
Microcephaly with or without chorioretinopathy, lymphedema, or impaired intellectual development. Also called: Microcephaly with or without chorioretinopathy, lymphedema, or mental retardation; MICROCEPHALY AND CHORIORETINOPATHY WITH OR WITHOUT MENTAL RETARDATION, AUTOSOMAL DOMINANT; MICROCEPHALY, LYMPHEDEMA, CHORIORETINAL DYSPLASIA SYNDROME; Microcephaly lymphedema chorioretinal dysplasia; Microcephaly with or without chorioretinopathy, lymphedema, or intellectual disability. Identifiers: Orphanet 2526, MedGen C1835265, MONDO:0007918, OMIM 152950.

Allele frequency attached by ClinVar (database versions not stated): gnomAD exomes below 0.00001.
gnomAD v4.1: 6 of 1,613,912 alleles (0.00037%); highest among the groups gnomAD compares: East Asian, 0.0022%; no homozygotes.

Submissions (3):

Labcorp Genetics (formerly Invitae), Labcorp
Classification: Uncertain significance. Last evaluated: 2025-02-16. Review status: criteria provided, single submitter. Criteria: Invitae Variant Classification Sherloc (09022015). Collection method: clinical testing. Allele origin: germline.
Comment: This sequence change replaces lysine, which is basic and polar, with arginine, which is basic and polar, at codon 520 of the KIF11 protein (p.Lys520Arg). This variant is not present in population databases (gnomAD no frequency). This variant has not been reported in the literature in individuals affected with KIF11-related conditions. ClinVar contains an entry for this variant (Variation ID: 1473092). Invitae Evidence Modeling of protein sequence and biophysical properties (such as structural, functional, and spatial information, amino acid conservation, physicochemical variation, residue mobility, and thermodynamic stability) indicates that this missense variant is not expected to disrupt KIF11 protein function with a negative predictive value of 95%. In summary, the available evidence is currently insufficient to determine the role of this variant in disease. Therefore, it has been classified as a Variant of Uncertain Significance.

Victorian Clinical Genetics Services, Murdoch Childrens Research Institute
Classification: Uncertain significance for Microcephaly with or without chorioretinopathy, lymphedema, or impaired intellectual development. Last evaluated: 2023-07-16. Review status: criteria provided, single submitter. Criteria: ACMG Guidelines, 2015. Collection method: clinical testing. Allele origin: germline. Inheritance: Autosomal dominant inheritance. Affected: yes.
Comment: Based on the classification scheme VCGS_Germline_v1.3.4, this variant is classified as VUS-3B. Following criteria are met: 0102 - Loss of function is a known mechanism of disease in this gene and is associated with microcephaly with or without chorioretinopathy, lymphedema, or intellectual disability (MONDO:0007918). (I) 0107 - This gene is associated with autosomal dominant disease. (I) 0112 - The condition associated with this gene has incomplete penetrance (PMID: 27212378). (I) 0115 - Variants in this gene are known to have variable expressivity (OMIM). (I) 0200 - Variant is predicted to result in a missense amino acid change from lysine to arginine. (I) 0251 - This variant is heterozygous. (I) 0301 - Variant is absent from gnomAD (both v2 and v3). (SP) 0502 - Missense variant with conflicting in silico predictions and uninformative conservation. (I) 0600 - Variant is located in the annotated stalk domain (PMID: 27212378). (I) 0705 - No comparable missense variants have previous evidence for pathogenicity. (I) 0809 - Previous evidence of pathogenicity for this variant is inconclusive. This variant has been previously reported as a VUS (ClinVar). (I) 0905 - No published segregation evidence has been identified for this variant. (I) 1007 - No published functional evidence has been identified for this variant. (I) 1208 - Inheritance information for this variant is not currently available in this individual. (I) Legend: (SP) - Supporting pathogenic, (I) - Information, (SB) - Supporting benign

Blueprint Genetics
Classification: Uncertain significance. Last evaluated: 2021-04-13. Review status: criteria provided, single submitter. Criteria: ACMG Guidelines, 2015. Collection method: clinical testing. Allele origin: germline.

Literature cited by the submitters: PubMed 27212378 (cited by Victorian Clinical Genetics Services, Murdoch Childrens Research Institute).